The following is an entry in ClinVar:

NM_020937.4(FANCM):c.4799C>T (p.Thr1600Ile)

Gene: FANCM (FA complementation group M; plus strand). Cytogenetic location: 14q21.2.
Variant type: single nucleotide variant.
Coding change: c.4799C>T on transcript NM_020937.4 (MANE Select); coding-DNA position 4799, C replaced by T.
Protein change: p.Thr1600Ile; replaces threonine 1600 with isoleucine.
Molecular consequence: missense variant.
Genome position (GRCh38, 1-based): chr14:45,188,821, C>T. VCF-style: chr14-45188821-C-T. GRCh37 (hg19) VCF-style: chr14-45658024-C-T.
Other names: p.Thr1600Ile; c.4799C>T (LRG_502t1); c.4721C>T, p.Thr1574Ile (NM_001308133.2); short protein forms T1600I, T1574I.
Identifiers: ClinVar variation 218780 (VCV000218780.25), dbSNP rs61746943, ClinGen allele CA249215.

ClinVar aggregate classification (germline): Benign/Likely benign. Review status: criteria provided, multiple submitters, no conflicts (2 of 4 stars). 13 submissions from 13 submitters: Benign (5); Likely benign (4). 4 of the submissions do not count toward it. Last evaluated 2026-02-04.

Conditions:
Fanconi anemia (FA). Also called: Fanconi's anemia. Identifiers: Orphanet 84, MedGen C0015625, MeSH D005199, MONDO:0019391.
Premature ovarian failure 15. Identifiers: MedGen C4748170, MONDO:0054862, OMIM 618096.

Allele frequency attached by ClinVar (database versions not stated): 1000 Genomes Project 30x 0.00593; 1000 Genomes Project 0.00619; TOPMed 0.01254; gnomAD 0.01559 and 0.01614; ESP Exome Variant Server 0.01677; gnomAD exomes 0.01756 and 0.01975; ExAC 0.01840.
gnomAD v4.1: 30,918 of 1,611,134 alleles (1.9%); highest among the groups gnomAD compares: Non-Finnish European, 2.2%; 399 homozygotes.

Submissions (13):

Labcorp Genetics (formerly Invitae), Labcorp
Classification: Benign for Fanconi anemia. Last evaluated: 2026-02-04. Review status: criteria provided, single submitter. Criteria: Invitae Variant Classification Sherloc (09022015). Collection method: clinical testing. Allele origin: germline.

Mayo Clinic Laboratories, Mayo Clinic
Classification: Likely benign. Last evaluated: 2025-07-29. Review status: criteria provided, single submitter. Criteria: ACMG Guidelines, 2015. Collection method: clinical testing. Allele origin: germline. Observed: 4 variant alleles.
Comment: BS1, BP4

GeneKor MSA
Classification: Benign for Fanconi anemia. Last evaluated: 2025-07-10. Review status: criteria provided, single submitter. Criteria: ACMG Guidelines, 2015. Collection method: clinical testing. Allele origin: germline.

Quest Diagnostics Nichols Institute San Juan Capistrano
Classification: Benign. Last evaluated: 2025-04-03. Review status: criteria provided, single submitter. Criteria: Quest Diagnostics criteria. Collection method: clinical testing. Allele origin: unknown.

Blueprint Genetics
Classification: Likely benign. Last evaluated: 2024-11-27. Review status: criteria provided, single submitter. Criteria: ACMG Guidelines, 2015. Collection method: clinical testing. Allele origin: germline.

KCCC/NGS Laboratory, Kuwait Cancer Control Center
Classification: Benign for Premature ovarian failure 15. Last evaluated: 2023-07-07. Review status: criteria provided, single submitter. Criteria: ACMG Guidelines, 2015. Collection method: clinical testing. Allele origin: germline. Affected: yes.

GeneDx
Classification: Likely benign. Last evaluated: 2021-01-15. Review status: criteria provided, single submitter. Criteria: GeneDx Variant Classification Process June 2021. Collection method: clinical testing. Allele origin: germline. Affected: yes.

Genomic Diagnostic Laboratory, Division of Genomic Diagnostics, Children's Hospital of Philadelphia
Classification: Benign. Last evaluated: 2015-03-25. Review status: criteria provided, single submitter. Criteria: DGD Variant Analysis Guidelines. Collection method: clinical testing. Allele origin: unknown.

Breakthrough Genomics
Classification: Likely benign. Review status: criteria provided, single submitter. Criteria: ACMG Guidelines, 2015. Collection method: not provided. Allele origin: germline. Inheritance: Autosomal recessive inheritance. Affected: yes.

Clinical Genetics DNA and cytogenetics Diagnostics Lab, Erasmus MC, Erasmus Medical Center
Classification: Benign. Review status: no assertion criteria provided. Collection method: clinical testing. Allele origin: germline. Affected: yes. Study: VKGL Data-share Consensus. Not counted in ClinVar's aggregate classification.

Department of Pathology and Laboratory Medicine, Sinai Health System
Classification: Benign. Review status: no assertion criteria provided. Collection method: clinical testing. Allele origin: unknown. Affected: yes. Study: The Canadian Open Genetics Repository (COGR). Not counted in ClinVar's aggregate classification.
Comment: The FANCM p.Thr1600Ile variant was identified in 20 of 1034 proband chromosomes (frequency: 0.019) from individuals or families with breast or ovarian cancer (Garcia_2009_PMID:19737859; Nguyen-Dumont_2018_PMID:29351780). The variant was identified in dbSNP (ID: rs61746943) and ClinVar (classified as benign by Invitae and Division of Genomic Diagnostics, The Children's Hospital of Philadelphia and as likely benign by Illumina). The variant was identified in control databases in 4968 of 281464 chromosomes (75 homozygous) at a frequency of 0.01765 increasing the likelihood this could be a low frequency benign variant (Genome Aggregation Database March 6, 2019, v2.1.1). The variant was observed in the following populations: European (Finnish) in 1071 of 25094 chromosomes (freq: 0.04268), European (non-Finnish) in 3124 of 128208 chromosomes (freq: 0.02437), Ashkenazi Jewish in 250 of 10330 chromosomes (freq: 0.0242), Other in 134 of 7176 chromosomes (freq: 0.01867), Latino in 260 of 35298 chromosomes (freq: 0.007366), African in 75 of 24870 chromosomes (freq: 0.003016) and South Asian in 54 of 30558 chromosomes (freq: 0.001767), but was not observed in the East Asian population. The p.Thr1600 residue is not conserved in mammals and computational analyses (PolyPhen-2, SIFT, AlignGVGD, BLOSUM, MutationTaster) do not suggest a high likelihood of impact to the protein; however, this information is not predictive enough to rule out pathogenicity. The variant occurs outside of the splicing consensus sequence and three of four in silico or computational prediction software programs (SpliceSiteFinder, MaxEntScan, NNSPLICE, GeneSplicer) do not predict a greater than 10% difference in splicing; this is not very predictive of pathogenicity. In summary, based on the above information this variant meets our laboratory's criteria to be classified as benign.

Genome Diagnostics Laboratory, Amsterdam University Medical Center
Classification: Benign. Review status: no assertion criteria provided. Collection method: clinical testing. Allele origin: germline. Affected: yes. Study: VKGL Data-share Consensus. Not counted in ClinVar's aggregate classification.

Laboratory of Diagnostic Genome Analysis, Leiden University Medical Center (LUMC)
Classification: Benign. Review status: no assertion criteria provided. Collection method: clinical testing. Allele origin: germline. Affected: yes. Study: VKGL Data-share Consensus. Not counted in ClinVar's aggregate classification.

Literature cited by the submitters: PubMed 32906206 (cited by Quest Diagnostics Nichols Institute San Juan Capistrano).